The following is an entry in ClinVar:

NM_000540.3(RYR1):c.3331G>C (p.Asp1111His)

Gene: RYR1 (ryanodine receptor 1; plus strand). Cytogenetic location: 19q13.2.
Variant type: single nucleotide variant.
Coding change: c.3331G>C on transcript NM_000540.3 (MANE Select); coding-DNA position 3331, G replaced by C.
Protein change: p.Asp1111His; replaces aspartic acid 1111 with histidine.
Molecular consequence: missense variant.
Genome position (GRCh38, 1-based): chr19:38,467,762, G>C. VCF-style: chr19-38467762-G-C. GRCh37 (hg19) VCF-style: chr19-38958402-G-C.
Other names: c.3331G>C, p.Asp1111His (NM_001042723.2); short protein forms D1111H.
Identifiers: ClinVar variation 1955958 (VCV001955958.5), dbSNP rs1968187377, ClinGen allele CA405637370.

ClinVar aggregate classification (germline): Uncertain significance. Review status: criteria provided, multiple submitters, no conflicts (2 of 4 stars). 2 submissions from 2 submitters: Uncertain significance (2). Last evaluated 2025-09-29.

Conditions:
RYR1-related disorder. Also called: RYR1-related condition; RYR1-related disorders. Identifiers: MedGen CN239331.
Malignant hyperthermia, susceptibility to, 1 (MHS1). Also called: Malignant hyperthermia suceptibility 1; Anesthesia related hyperthermia; Malignant hyperpyrexia; Fulminating hyperpyrexia; Pharmacogenic myopathy; RYR1-Related Malignant Hyperthermia Susceptibility. Identifiers: Orphanet 423, MedGen C2930980, MONDO:0007783, OMIM 145600.

Allele frequency attached by ClinVar (database versions not stated): gnomAD 0.00001.
gnomAD v4.1: 2 of 1,614,082 alleles (0.00012%); highest among the groups gnomAD compares: Admixed American, 0.0017%; no homozygotes.

Submissions (2):

Color Diagnostics, LLC DBA Color Health
Classification: Uncertain significance for Malignant hyperthermia, susceptibility to, 1. Last evaluated: 2025-09-29. Review status: criteria provided, single submitter. Criteria: ACMG Guidelines, 2015. Collection method: clinical testing. Allele origin: germline.
Comment: This missense variant replaces aspartic acid with histidine at codon 1111 of the RYR1 protein. Computational prediction is inconclusive regarding the impact of this variant on protein structure and function. To our knowledge, functional studies have not been reported for this variant. This variant has not been reported in individuals affected with RYR1-related disorders in the literature. This variant has not been identified in the general population by the Genome Aggregation Database (gnomAD). The available evidence is insufficient to determine the role of this variant in disease conclusively. Therefore, this variant is classified as a Variant of Uncertain Significance.

Labcorp Genetics (formerly Invitae), Labcorp
Classification: Uncertain significance for RYR1-related disorder. Last evaluated: 2022-06-20. Review status: criteria provided, single submitter. Criteria: Invitae Variant Classification Sherloc (09022015). Collection method: clinical testing. Allele origin: germline.
Comment: In summary, the available evidence is currently insufficient to determine the role of this variant in disease. Therefore, it has been classified as a Variant of Uncertain Significance. This sequence change replaces aspartic acid, which is acidic and polar, with histidine, which is basic and polar, at codon 1111 of the RYR1 protein (p.Asp1111His). This variant is not present in population databases (gnomAD no frequency). This variant has not been reported in the literature in individuals affected with RYR1-related conditions. Algorithms developed to predict the effect of missense changes on protein structure and function are either unavailable or do not agree on the potential impact of this missense change (SIFT: "Deleterious"; PolyPhen-2: "Probably Damaging"; Align-GVGD: "Class C0").